The following is an entry in ClinVar:

ClinVar aggregate classification (germline): Pathogenic (1 of 4 stars; one submission).

Conditions:
Multiple acyl-CoA dehydrogenase deficiency (MADD). Also called: ETHYLMALONIC-ADIPICACIDURIA; GA II; Glutaric aciduria, type 2; Glutaric Acidemia type 2; Glutaric acidemia type II; GA 2. Identifiers: Orphanet 26791, MedGen C0268596, MONDO:0009282, OMIM 231680.

Allele frequency attached by ClinVar (database versions not stated): gnomAD exomes below 0.00001.

Submission:

Labcorp Genetics (formerly Invitae), Labcorp
Classification: Pathogenic for Multiple acyl-CoA dehydrogenase deficiency. Last evaluated: 2023-01-31. Review status: criteria provided, single submitter. Criteria: Invitae Variant Classification Sherloc (09022015). Collection method: clinical testing. Allele origin: germline.
Comment: This sequence change creates a premature translational stop signal (p.Tyr435Leufs*2) in the ETFDH gene. It is expected to result in an absent or disrupted protein product. Loss-of-function variants in ETFDH are known to be pathogenic (PMID: 16510302, 23785301). This variant is present in population databases (no rsID available, gnomAD 0.006%). This variant has not been reported in the literature in individuals affected with ETFDH-related conditions. For these reasons, this variant has been classified as Pathogenic.

Literature cited by the submitters: PubMed 16510302; PubMed 23785301.

NM_004453.4(ETFDH):c.1303dup (p.Tyr435fs)

Gene: ETFDH (electron transfer flavoprotein dehydrogenase; plus strand). Cytogenetic location: 4q32.1.
Variant type: Duplication.
Coding change: c.1303dup on transcript NM_004453.4 (MANE Select); coding-DNA position 1303, one base duplicated (T; older notation c.1303dupT).
Protein change: p.Tyr435fs; shifts the reading frame from tyrosine 435.
Molecular consequence: frameshift variant.
Genome position (GRCh38, 1-based): chr4:158,706,206, T duplicated. VCF-style (leftmost placement, unchanged base first): chr4-158706205-A-AT. GRCh37 (hg19) VCF-style: chr4-159627357-A-AT.
Other names: c.1162dup, p.Tyr388fs (NM_001281737.2); c.1120dup, p.Tyr374fs (NM_001281738.1); short protein forms Y374fs, Y435fs, Y388fs.
Identifiers: ClinVar variation 2833138 (VCV002833138.3), dbSNP rs1486733753, ClinGen allele CA555633836.